The following is an entry in ClinVar:

ClinVar aggregate classification (germline): Uncertain significance (1 of 4 stars; one submission).

Submission:

GeneDx
Classification: Uncertain significance. Last evaluated: 2025-01-26. Review status: criteria provided, single submitter. Criteria: GeneDx Variant Classification Process June 2021. Collection method: clinical testing. Allele origin: germline. Affected: yes.
Comment: Not observed at significant frequency in large population cohorts (gnomAD); In silico analysis indicates that this missense variant does not alter protein structure/function; Has not been previously published as pathogenic or benign to our knowledge

NM_014727.3(KMT2B):c.163G>A (p.Gly55Arg)

Genes: KMT2B (lysine methyltransferase 2B; plus strand), LOC130064258 (ATAC-STARR-seq lymphoblastoid silent region 10535; plus strand). Cytogenetic location: 19q13.12.
Variant type: single nucleotide variant.
Coding change: c.163G>A on transcript NM_014727.3 (MANE Select); coding-DNA position 163, G replaced by A.
Protein change: p.Gly55Arg; replaces glycine 55 with arginine.
Molecular consequence: missense variant.
Genome position (GRCh38, 1-based): chr19:35,718,181, G>A. VCF-style: chr19-35718181-G-A. GRCh37 (hg19) VCF-style: chr19-36209083-G-A.
Other names: short protein forms G55R.
Identifiers: ClinVar variation 4072481 (VCV004072481.1).
Genomic context (GRCh38, chr19:35,718,181, plus strand): 5'-GGACGGGGCAACGGGGCCGAAAGAGTGCGGGTAGCTCTGCGGCGCGGCGGTGGCGCGACG[G>A]GGCCGGGCGGAGCCGAGCCCGGGGAGGACACGGCCCTGCTCCGTTTGCTGGGGCTCCGCC-3'
Protein context (NP_055542.1, residues 45-65): VALRRGGGAT[Gly55Arg]PGGAEPGEDT